The following is an entry in ClinVar:

ClinVar aggregate classification (germline): Uncertain significance (1 of 4 stars; one submission).

Submission:

Labcorp Genetics (formerly Invitae), Labcorp
Classification: Uncertain significance. Last evaluated: 2025-10-18. Review status: criteria provided, single submitter. Criteria: Invitae Variant Classification Sherloc (09022015). Collection method: clinical testing. Allele origin: germline.
Comment: This sequence change replaces serine, which is neutral and polar, with phenylalanine, which is neutral and non-polar, at codon 6 of the RP2 protein (p.Ser6Phe). This variant is not present in population databases (gnomAD no frequency). This missense change has been observed in individual(s) with inherited retinal disorder (PMID: 32875684). Invitae Evidence Modeling of protein sequence and biophysical properties (such as structural, functional, and spatial information, amino acid conservation, physicochemical variation, residue mobility, and thermodynamic stability) has been performed for this missense variant. However, the output from this modeling did not meet the statistical confidence thresholds required to predict the impact of this variant on RP2 protein function. In summary, the available evidence is currently insufficient to determine the role of this variant in disease. Therefore, it has been classified as a Variant of Uncertain Significance.

Literature cited by the submitters: PubMed 32875684.

NM_006915.3(RP2):c.17C>T (p.Ser6Phe)

Genes: RP2 (RP2 activator of ARL3 GTPase; plus strand), LOC130068202 (ATAC-STARR-seq lymphoblastoid active region 29577; plus strand). Cytogenetic location: Xp11.3.
Variant type: single nucleotide variant.
Coding change: c.17C>T on transcript NM_006915.3 (MANE Select); coding-DNA position 17, C replaced by T.
Protein change: p.Ser6Phe; replaces serine 6 with phenylalanine.
Molecular consequence: missense variant.
Genome position (GRCh38, 1-based): chrX:46,837,117, C>T. VCF-style: chrX-46837117-C-T. GRCh37 (hg19) VCF-style: chrX-46696552-C-T.
Other names: short protein forms S6F.
Identifiers: ClinVar variation 4763910 (VCV004763910.1).